The following is an entry in ClinVar:

ClinVar aggregate classification (germline): Uncertain significance (1 of 4 stars; one submission).

Conditions:
Neuropathy, hereditary sensory, type 2C. Also called: KIF1A-Related HSAN2 (HSAN2C); Hereditary sensory and autonomic neuropathy type IIC. Identifiers: Orphanet 970, MedGen C3280168, MONDO:0013634, OMIM 614213.
Hereditary spastic paraplegia 30. Identifiers: Orphanet 101010, MedGen C5235139, MONDO:0012476.
Intellectual disability, autosomal dominant 9 (NESCAVS). Also called: KIF1A-Related Neurodevelopmental Disorder; NESCAV SYNDROME. Identifiers: Orphanet 662367, MedGen C5393830, MONDO:0013656, OMIM 614255.

Submission:

Labcorp Genetics (formerly Invitae), Labcorp
Classification: Uncertain significance for Hereditary spastic paraplegia 30; Neuropathy, hereditary sensory, type 2C; Intellectual disability, autosomal dominant 9. Last evaluated: 2025-04-08. Review status: criteria provided, single submitter. Criteria: Invitae Variant Classification Sherloc (09022015). Collection method: clinical testing. Allele origin: germline.
Comment: This sequence change replaces aspartic acid, which is acidic and polar, with glycine, which is neutral and non-polar, at codon 191 of the KIF1A protein (p.Asp191Gly). This variant is not present in population databases (gnomAD no frequency). This variant has not been reported in the literature in individuals affected with KIF1A-related conditions. Invitae Evidence Modeling of protein sequence and biophysical properties (such as structural, functional, and spatial information, amino acid conservation, physicochemical variation, residue mobility, and thermodynamic stability) indicates that this missense variant is expected to disrupt KIF1A protein function with a positive predictive value of 95%. In summary, the available evidence is currently insufficient to determine the role of this variant in disease. Therefore, it has been classified as a Variant of Uncertain Significance.

NM_001244008.2(KIF1A):c.572A>G (p.Asp191Gly)

Gene: KIF1A (kinesin family member 1A; minus strand). Cytogenetic location: 2q37.3.
Variant type: single nucleotide variant.
Coding change: c.572A>G on transcript NM_001244008.2 (MANE Select); coding-DNA position 572, A replaced by G.
Protein change: p.Asp191Gly; replaces aspartic acid 191 with glycine.
Molecular consequence: missense variant.
Genome position (GRCh38, 1-based): chr2:240,786,371, T>C on the plus strand (A>G on the coding strand, the complement: KIF1A is on the minus strand). VCF-style: chr2-240786371-T-C. GRCh37 (hg19) VCF-style: chr2-241725788-T-C.
Other names: c.572A>G, p.Asp191Gly (NM_001320705.2, NM_001330289.2, NM_001330290.2 and 20 more transcripts); short protein forms D191G.
Identifiers: ClinVar variation 4789385 (VCV004789385.1).